The following is an entry in ClinVar:

ClinVar aggregate classification (germline): Pathogenic (1 of 4 stars; one submission).

Conditions:
Very long chain acyl-CoA dehydrogenase deficiency (ACADVLD). Also called: VLCAD Deficiency; Very Long-Chain Acyl-Coenzyme A Dehydrogenase Deficiency. Identifiers: Orphanet 26793, MedGen C3887523, MONDO:0008723, OMIM 201475.

Submission:

Labcorp Genetics (formerly Invitae), Labcorp
Classification: Pathogenic for Very long chain acyl-CoA dehydrogenase deficiency. Last evaluated: 2023-08-04. Review status: criteria provided, single submitter. Criteria: Invitae Variant Classification Sherloc (09022015). Collection method: clinical testing. Allele origin: germline.
Comment: This variant results in the deletion of part of exon 7 (c.621_622+9del) of the ACADVL gene. It is expected to disrupt RNA splicing. Variants that disrupt the donor or acceptor splice site typically lead to a loss of protein function (PMID: 16199547), and loss-of-function variants in ACADVL are known to be pathogenic (PMID: 9973285, 11590124). This variant is not present in population databases (gnomAD no frequency). This variant has been observed in individual(s) with very long-chain acyl-CoA dehydrogenase deficiency (PMID: 35095998). Algorithms developed to predict the effect of sequence changes on RNA splicing suggest that this variant may disrupt the consensus splice site. For these reasons, this variant has been classified as Pathogenic.

Literature cited by the submitters: PubMed 16199547; PubMed 9973285; PubMed 11590124; PubMed 35095998.

NM_000018.4(ACADVL):c.621_622+9del

Gene: ACADVL (acyl-CoA dehydrogenase very long chain; plus strand). Cytogenetic location: 17p13.1.
Variant type: Deletion.
Coding change: c.621_622+9del on transcript NM_000018.4 (MANE Select); coding-DNA position 621 through 9 bases into the intron after coding-DNA position 622, 11 bases deleted (TGGTGAGGCAA).
Molecular consequence: splice donor variant.
Genome position (GRCh38, 1-based): chr17:7,221,681-7,221,691, TGGTGAGGCAA deleted. VCF-style (leftmost placement, unchanged base first): chr17-7221680-CTGGTGAGGCAA-C. GRCh37 (hg19) VCF-style: chr17-7124999-CTGGTGAGGCAA-C.
Other names: c.690_691+9del (NM_001270447.2); c.393_394+9del (NM_001270448.2); c.555_556+9del (NM_001033859.3).
Identifiers: ClinVar variation 2975869 (VCV002975869.3), dbSNP rs2508285392, ClinGen allele CA2695223081.
Genomic context (GRCh38, chr17:7,221,680, plus strand): 5'-AAGGCATCCTGCTCTTTGGCACAAAGGCCCAGAAAGAAAAATACCTCCCCAAGCTGGCAT[CTGGTGAGGCAA>C]CCCTAGGAGAGCCAGGGATTGGGGGGCACACTGGGCTTGGCACAGATTAGGCCAGTTGGC-3'